The following is an entry in ClinVar:

NM_002778.4(PSAP):c.549C>T (p.Asp183=)

Gene: PSAP (prosaposin; minus strand). Cytogenetic location: 10q22.1.
Variant type: single nucleotide variant.
Coding change: c.549C>T on transcript NM_002778.4 (MANE Select); coding-DNA position 549, C replaced by T.
Protein change: p.Asp183=; no amino-acid change (aspartic acid 183 retained).
Molecular consequence: synonymous variant.
Genome position (GRCh38, 1-based): chr10:71,828,904, G>A on the plus strand (C>T on the coding strand, the complement: PSAP is on the minus strand). VCF-style: chr10-71828904-G-A. GRCh37 (hg19) VCF-style: chr10-73588661-G-A.
Other names: c.549C>T, p.Asp183= (NM_001042465.3, NM_001042466.3).
Identifiers: ClinVar variation 765317 (VCV000765317.11), dbSNP rs142002239, ClinGen allele CA5547751.
Genomic context (GRCh38, chr10:71,828,904, plus strand): 5'-AATGGGTCCTCAGTGGCCAGCCCGTTGTCTTACCTTTGGCTGGGGCTTGCTGCGGGGGCC[G>A]TCCTGAGGGTAGAGGAGGAGAGGGATGTTGGCCATGAAGGGGGCCACCACCTCAGTCATG-3'
Protein context (NP_002769.1, residues 173-193): ANIPLLLYPQ[Asp183=]GPRSKPQPKD

ClinVar aggregate classification (germline): Likely benign. Review status: criteria provided, multiple submitters, no conflicts (2 of 4 stars). 3 submissions from 3 submitters: Likely benign (2). 1 of the submissions does not count toward it. Last evaluated 2026-01-14.

Conditions:
Sphingolipid activator protein 1 deficiency. Also called: Metachromatic leukodystrophy due to saposin B deficiency; METACHROMATIC LEUKODYSTROPHY DUE TO CEREBROSIDE SULFATASE ACTIVATOR DEFICIENCY; Saposin B Deficiency. Identifiers: Orphanet 512, MedGen C0268262, MONDO:0009590, OMIM 249900.
PSAP-related disorder. Also called: PSAP-related condition.

Allele frequency attached by ClinVar (database versions not stated): ExAC 0.00002; gnomAD exomes 0.00002 and 0.00004; TOPMed 0.00003; gnomAD 0.00005; ESP Exome Variant Server 0.00008.
gnomAD v4.1: 38 of 1,613,996 alleles (0.0024%); highest among the groups gnomAD compares: African/African-American, 0.0093%; no homozygotes.

Submissions (3):

Labcorp Genetics (formerly Invitae), Labcorp
Classification: Likely benign for Sphingolipid activator protein 1 deficiency. Last evaluated: 2026-01-14. Review status: criteria provided, single submitter. Criteria: Invitae Variant Classification Sherloc (09022015). Collection method: clinical testing. Allele origin: germline.

Blueprint Genetics
Classification: Likely benign. Last evaluated: 2022-09-02. Review status: criteria provided, single submitter. Criteria: ACMG Guidelines, 2015. Collection method: clinical testing. Allele origin: germline.

PreventionGenetics, part of Exact Sciences
Classification: Likely benign for PSAP-related condition. Last evaluated: 2019-04-04. Review status: no assertion criteria provided. Collection method: clinical testing. Allele origin: germline. Not counted in ClinVar's aggregate classification.
Comment: This variant is classified as likely benign based on ACMG/AMP sequence variant interpretation guidelines (Richards et al. 2015 PMID: 25741868, with internal and published modifications).